The following is an entry in ClinVar:

NM_003611.3(OFD1):c.1186_1189del (p.Leu396fs)

Gene: OFD1 (OFD1 centriole and centriolar satellite protein; plus strand). Cytogenetic location: Xp22.2.
Variant type: Deletion.
Coding change: c.1186_1189del on transcript NM_003611.3 (MANE Select); coding-DNA positions 1186 to 1189, 4 bases deleted (CTCA; older notation c.1186_1189delCTCA).
Protein change: p.Leu396fs; shifts the reading frame from leucine 396.
Molecular consequence: frameshift variant.
Genome position (GRCh38, 1-based): chrX:13,755,207-13,755,210, CTCA deleted; deleting any 4 consecutive bases within chrX:13,755,206-13,755,210 gives the same sequence; the c. name uses the placement nearest the transcript's 3' end. VCF-style (leftmost placement, unchanged base first): chrX-13755205-AACTC-A. GRCh37 (hg19) VCF-style: chrX-13773324-AACTC-A.
Other names: c.1066_1069del, p.Leu356fs (NM_001330209.2); c.766_769del, p.Leu256fs (NM_001330210.2); c.1186_1189delCTCA (NM_003611.3); short protein forms L256fs, L356fs, L396fs.
Identifiers: ClinVar variation 3375167 (VCV003375167.1).

ClinVar aggregate classification (germline): Pathogenic (1 of 4 stars; one submission).

Conditions:
Orofaciodigital syndrome I (OFD1). Also called: OFDS I; Oral-Facial-Digital Syndrome Type I; Papillon-Leage and Psaume Syndrome. Identifiers: Orphanet 2750, MedGen C1510460, MONDO:0010702, OMIM 311200.

Submission:

Women's Health and Genetics/Laboratory Corporation of America, LabCorp
Classification: Pathogenic for Orofaciodigital syndrome I. Last evaluated: 2024-09-26. Review status: criteria provided, single submitter. Criteria: LabCorp Variant Classification Summary - May 2015. Collection method: clinical testing. Allele origin: germline.
Comment: Variant summary: OFD1 c.1186_1189delCTCA (p.Leu396IlefsX4) results in a premature termination codon, predicted to cause a truncation of the encoded protein or absence of the protein due to nonsense mediated decay, which are commonly known mechanisms for disease. The variant was absent in 182832 control chromosomes. To our knowledge, no occurrence of c.1186_1189delCTCA in individuals affected with Orofaciodigital Syndrome I and no experimental evidence demonstrating its impact on protein function have been reported. No submitters have cited clinical-significance assessments for this variant to ClinVar. Based on the evidence outlined above, the variant was classified as pathogenic.